The following is an entry in ClinVar:

NM_020911.2(PLXNA4):c.4171A>G (p.Met1391Val)

Gene: PLXNA4 (plexin A4; minus strand). Cytogenetic location: 7q32.3.
Variant type: single nucleotide variant.
Coding change: c.4171A>G on transcript NM_020911.2 (MANE Select); coding-DNA position 4171, A replaced by G.
Protein change: p.Met1391Val; replaces methionine 1391 with valine.
Molecular consequence: missense variant.
Genome position (GRCh38, 1-based): chr7:132,168,419, T>C on the plus strand (A>G on the coding strand, the complement: PLXNA4 is on the minus strand). VCF-style: chr7-132168419-T-C. GRCh37 (hg19) VCF-style: chr7-131853178-T-C.
Other names: c.4171A>G, p.Met1391Val (NM_001393897.1); short protein forms M1391V.
Identifiers: ClinVar variation 5001245 (VCV005001245.1).

ClinVar aggregate classification (germline): Uncertain significance (1 of 4 stars; one submission).

Conditions:
PLXNA4-related disorder. Also called: PLXNA4-related condition.

Submission:

PreventionGenetics, part of Exact Sciences
Classification: Uncertain significance for PLXNA4-related condition. Last evaluated: 2025-03-04. Review status: criteria provided, single submitter. Criteria: ACMG Guidelines, 2015. Collection method: clinical testing. Allele origin: germline.
Comment: The PLXNA4 c.4171A>G variant is predicted to result in the amino acid substitution p.Met1391Val. To our knowledge, this variant has not been reported in the literature. This variant is reported in 0.0018% of alleles in individuals of European (Non-Finnish) descent in gnomAD. At this time, the clinical significance of this variant is uncertain due to the absence of conclusive functional and genetic evidence.